The following is an entry in ClinVar:

NM_000535.7(PMS2):c.1647G>A (p.Val549=)

Gene: PMS2 (PMS1 homolog 2, mismatch repair system component; minus strand). Cytogenetic location: 7p22.1.
Variant type: single nucleotide variant.
Coding change: c.1647G>A on transcript NM_000535.7 (MANE Select); coding-DNA position 1647, G replaced by A.
Protein change: p.Val549=; no amino-acid change (valine 549 retained).
Molecular consequence: synonymous variant. On other transcripts: non-coding transcript variant (1).
Genome position (GRCh38, 1-based): chr7:5,987,118, C>T on the plus strand (G>A on the coding strand, the complement: PMS2 is on the minus strand). VCF-style: chr7-5987118-C-T. GRCh37 (hg19) VCF-style: chr7-6026749-C-T.
Other names: c.1242G>A, p.Val414= (NM_001322003.2, NM_001322004.2, NM_001322005.2 and 1 more transcripts); c.1491G>A, p.Val497= (NM_001322006.2); c.1329G>A, p.Val443= (NM_001322007.2, NM_001322008.2); c.1086G>A, p.Val362= (NM_001322010.2); c.714G>A, p.Val238= (NM_001322011.2, NM_001322012.2); c.1074G>A, p.Val358= (NM_001322013.2); c.1647G>A, p.Val549= (NM_001322014.2); c.1338G>A, p.Val446= (NM_001322015.2).
Identifiers: ClinVar variation 492265 (VCV000492265.15), dbSNP rs1554297410, ClinGen allele CA453746322.

ClinVar aggregate classification (germline): Benign/Likely benign. Review status: criteria provided, multiple submitters, no conflicts (2 of 4 stars). 5 submissions from 5 submitters: Benign (1); Likely benign (4). Last evaluated 2025-05-26.

Conditions:
Lynch syndrome. Identifiers: Orphanet 144, MedGen C4552100, MONDO:0005835. Disease mechanism: loss of function.
Hereditary nonpolyposis colorectal neoplasms. Identifiers: MedGen C0009405, MeSH D003123.
Hereditary cancer-predisposing syndrome. Also called: Hereditary neoplastic syndrome; Tumor predisposition; Hereditary Cancer Syndrome; Neoplastic Syndromes, Hereditary. Identifiers: Orphanet 140162, MedGen C0027672, MeSH D009386, MONDO:0015356.
Lynch syndrome 4 (LYNCH4). Also called: Colorectal cancer, hereditary nonpolyposis, type 4; Hereditary non-polyposis colorectal cancer, type 4. Identifiers: Orphanet 144, MedGen C1838333, MONDO:0013699, OMIM 614337. Disease mechanism: loss of function.

Submissions (5):

Labcorp Genetics (formerly Invitae), Labcorp
Classification: Likely benign for Hereditary nonpolyposis colorectal neoplasms. Last evaluated: 2025-05-26. Review status: criteria provided, single submitter. Criteria: Invitae Variant Classification Sherloc (09022015). Collection method: clinical testing. Allele origin: germline.

Myriad Genetics, Inc.
Classification: Benign for Lynch syndrome 4. Last evaluated: 2025-01-31. Review status: criteria provided, single submitter. Criteria: Myriad Autosomal Dominant, Autosomal Recessive and X-Linked Classification Criteria (2023). Collection method: clinical testing. Allele origin: unknown.
Comment: This variant is considered benign. This variant is a silent/synonymous amino acid change and it is not expected to impact splicing.

All of Us Research Program, National Institutes of Health
Classification: Likely benign for Lynch syndrome. Last evaluated: 2023-12-13. Review status: criteria provided, single submitter. Criteria: ACMG Guidelines, 2015. Collection method: clinical testing. Allele origin: germline. Inheritance: Autosomal dominant inheritance. Observed: 2 variant alleles, 2 heterozygotes.
Comment: This study involves interpretation of variants in research participants for the purpose of population health screening. Participant phenotype was not available at the time of variant classification. Additional details can be found in publication PMID: 35346344, PMCID: PMC8962531

Ambry Genetics
Classification: Likely benign for Hereditary cancer-predisposing syndrome. Last evaluated: 2018-03-14. Review status: criteria provided, single submitter. Criteria: Ambry Variant Classification Scheme 2023. Collection method: clinical testing. Allele origin: germline.

Color Diagnostics, LLC DBA Color Health
Classification: Likely benign for Hereditary cancer-predisposing syndrome. Last evaluated: 2016-03-28. Review status: criteria provided, single submitter. Criteria: ACMG Guidelines, 2015. Collection method: clinical testing. Allele origin: germline.